The following is an entry in ClinVar:

NM_004064.5(CDKN1B):c.386A>G (p.His129Arg)

Gene: CDKN1B (cyclin dependent kinase inhibitor 1B; plus strand). Cytogenetic location: 12p13.1.
Variant type: single nucleotide variant.
Coding change: c.386A>G on transcript NM_004064.5 (MANE Select); coding-DNA position 386, A replaced by G.
Protein change: p.His129Arg; replaces histidine 129 with arginine.
Molecular consequence: missense variant.
Genome position (GRCh38, 1-based): chr12:12,718,225, A>G. VCF-style: chr12-12718225-A-G. GRCh37 (hg19) VCF-style: chr12-12871159-A-G.
Other names: short protein forms H129R.
Identifiers: ClinVar variation 485498 (VCV000485498.18), dbSNP rs766996989, ClinGen allele CA6457483.

ClinVar aggregate classification (germline): Uncertain significance. Review status: criteria provided, multiple submitters, no conflicts (2 of 4 stars). 4 submissions from 4 submitters: Uncertain significance (4). Last evaluated 2026-01-21.

Conditions:
Hereditary cancer-predisposing syndrome. Also called: Tumor predisposition; Hereditary Cancer Syndrome; Neoplastic Syndromes, Hereditary; Hereditary neoplastic syndrome. Identifiers: Orphanet 140162, MedGen C0027672, MeSH D009386, MONDO:0015356.
Multiple endocrine neoplasia type 4. Also called: MULTIPLE ENDOCRINE NEOPLASIA, TYPE IV. Identifiers: Orphanet 276152, MedGen C1970712, MONDO:0012552, OMIM 610755.

Allele frequency attached by ClinVar (database versions not stated): gnomAD 0.00001; TOPMed 0.00001; ExAC 0.00001.
gnomAD v4.1: 5 of 1,606,372 alleles (0.00031%); highest among the groups gnomAD compares: African/African-American, 0.0027%; no homozygotes.

Submissions (4):

Labcorp Genetics (formerly Invitae), Labcorp
Classification: Uncertain significance for Multiple endocrine neoplasia type 4. Last evaluated: 2026-01-21. Review status: criteria provided, single submitter. Criteria: Invitae Variant Classification Sherloc (09022015). Collection method: clinical testing. Allele origin: germline.
Comment: This sequence change replaces histidine, which is basic and polar, with arginine, which is basic and polar, at codon 129 of the CDKN1B protein (p.His129Arg). This variant is present in population databases (rs766996989, gnomAD no frequency). This variant has not been reported in the literature in individuals affected with CDKN1B-related conditions. ClinVar contains an entry for this variant (Variation ID: 485498). An algorithm developed to predict the effect of missense changes on protein structure and function (PolyPhen-2) suggests that this variant is likely to be disruptive. In summary, the available evidence is currently insufficient to determine the role of this variant in disease. Therefore, it has been classified as a Variant of Uncertain Significance.

Ambry Genetics
Classification: Uncertain significance for Hereditary cancer-predisposing syndrome. Last evaluated: 2025-12-29. Review status: criteria provided, single submitter. Criteria: Ambry Variant Classification Scheme 2023. Collection method: clinical testing. Allele origin: germline.
Comment: The p.H129R variant (also known as c.386A>G), located in coding exon 1 of the CDKN1B gene, results from an A to G substitution at nucleotide position 386. The histidine at codon 129 is replaced by arginine, an amino acid with highly similar properties. This amino acid position is well conserved in available vertebrate species. In addition, the in silico prediction for this alteration is inconclusive. Since supporting evidence is limited at this time, the clinical significance of this alteration remains unclear.

GeneDx
Classification: Uncertain significance. Last evaluated: 2023-10-25. Review status: criteria provided, single submitter. Criteria: GeneDx Variant Classification Process June 2021. Collection method: clinical testing. Allele origin: germline. Affected: yes.
Comment: Not observed at significant frequency in large population cohorts (gnomAD); In silico analysis supports that this missense variant does not alter protein structure/function; Has not been previously published as pathogenic or benign to our knowledge

Baylor Genetics
Classification: Uncertain significance for Multiple endocrine neoplasia type 4. Last evaluated: 2023-09-25. Review status: criteria provided, single submitter. Criteria: ACMG Guidelines, 2015. Collection method: clinical testing. Allele origin: unknown.